The following is an entry in ClinVar:

ClinVar aggregate classification (germline): Conflicting classifications of pathogenicity. Review status: criteria provided, conflicting classifications (1 of 4 stars). 2 submissions from 2 submitters: Uncertain significance (1); Likely benign (1). Last evaluated 2025-02-28.

Conditions:
Inborn genetic diseases. Identifiers: MedGen C0950123, MeSH D030342.

Allele frequency attached by ClinVar (database versions not stated): ExAC 0.00002; TOPMed 0.00002.
gnomAD v4.1: 53 of 1,613,814 alleles (0.0033%); highest among the groups gnomAD compares: Non-Finnish European, 0.0039%; no homozygotes.

Submissions (2):

Ambry Genetics
Classification: Uncertain significance for Inborn genetic diseases. Last evaluated: 2025-02-28. Review status: criteria provided, single submitter. Criteria: Ambry Variant Classification Scheme 2023. Collection method: clinical testing. Allele origin: germline.

GeneDx
Classification: Likely benign. Last evaluated: 2016-12-01. Review status: criteria provided, single submitter. Criteria: GeneDx Variant Classification (06012015). Collection method: clinical testing. Allele origin: germline. Affected: yes.
Comment: This variant is considered likely benign or benign based on one or more of the following criteria: it is a conservative change, it occurs at a poorly conserved position in the protein, it is predicted to be benign by multiple in silico algorithms, and/or has population frequency not consistent with disease.

NM_018136.5(ASPM):c.3056G>A (p.Arg1019Gln)

Gene: ASPM (assembly factor for spindle microtubules; minus strand). Cytogenetic location: 1q31.3.
Variant type: single nucleotide variant.
Coding change: c.3056G>A on transcript NM_018136.5 (MANE Select); coding-DNA position 3056, G replaced by A.
Protein change: p.Arg1019Gln; replaces arginine 1019 with glutamine.
Molecular consequence: missense variant.
Genome position (GRCh38, 1-based): chr1:197,125,072, C>T on the plus strand (G>A on the coding strand, the complement: ASPM is on the minus strand). VCF-style: chr1-197125072-C-T. GRCh37 (hg19) VCF-style: chr1-197094202-C-T.
Other names: c.3056G>A, p.Arg1019Gln (NM_001206846.2); short protein forms R1019Q.
Identifiers: ClinVar variation 234722 (VCV000234722.2), dbSNP rs780791970, ClinGen allele CA1310274.